The following is an entry in ClinVar:

NM_000235.4(LIPA):c.132G>A (p.Trp44Ter)

Gene: LIPA (lipase A, lysosomal acid type; minus strand). Cytogenetic location: 10q23.31.
Variant type: single nucleotide variant.
Coding change: c.132G>A on transcript NM_000235.4 (MANE Select); coding-DNA position 132, G replaced by A.
Protein change: p.Trp44Ter; replaces tryptophan 44 with a stop codon.
Molecular consequence: nonsense. On other transcripts: intron variant (1).
Genome position (GRCh38, 1-based): chr10:89,245,773, C>T on the plus strand (G>A on the coding strand, the complement: LIPA is on the minus strand). VCF-style: chr10-89245773-C-T. GRCh37 (hg19) VCF-style: chr10-91005530-C-T.
Other names: c.132G>A, p.Trp44Ter (NM_001127605.3); c.-120+5964G>A (NM_001288979.2); c.132G>A (NM_000235.3); short protein forms W44*.
Identifiers: ClinVar variation 2890181 (VCV002890181.7), dbSNP rs181646633, ClinGen allele CA5593803.
Genomic context (GRCh38, chr10:89,245,773, plus strand): 5'-GTTAAGGCACAGAATATATCCATCTTCTGTCTCAACTAGGTATTCCTCACTAGGGAATCC[C>T]CAGTAAGAGATAATTTCACTCTGTAGAGAAAAAGGACGATGGAAATTGGGTGGACAGAAT-3'

ClinVar aggregate classification (germline): Pathogenic/Likely pathogenic. Review status: criteria provided, multiple submitters, no conflicts (2 of 4 stars). 5 submissions from 5 submitters: Pathogenic (1); Likely pathogenic (4). Last evaluated 2026-09-23.

Conditions:
Wolman disease (WOLD). Also called: Wolman disease, CESD; LYSOSOMAL ACID LIPASE DEFICIENCY, ACUTE INFANTILE; LYSOSOMAL ACID LIPASE DEFICIENCY, COMPLETE; LIPA DEFICIENCY, COMPLETE; LAL DEFICIENCY, COMPLETE; CHOLESTEROL ESTER HYDROLASE DEFICIENCY, COMPLETE. Identifiers: Orphanet 75233, MedGen C0043208, MONDO:0019148, OMIM 620151.
Lysosomal acid lipase deficiency. Also called: Acid cholesteryl ester hydrolase deficiency, type 2. Identifiers: Orphanet 275761, MedGen C5574740, MONDO:0800449, MONDO:0010204.
Cholesteryl ester storage disease (CESD). Also called: Childhood/Adult-Onset LAL-D (Cholesterol Ester Storage Disease [CESD]). Identifiers: Orphanet 75234, MedGen C0008384, MONDO:0019149, OMIM 278000.
LIPA-related disorder. Also called: LIPA-related condition; LIPA-related disorders.

Allele frequency attached by ClinVar (database versions not stated): ExAC 0.00002; TOPMed 0.00002; gnomAD 0.00003; ESP Exome Variant Server 0.00015; 1000 Genomes Project 30x 0.00016; 1000 Genomes Project 0.00020.

Submissions (5):

PreventionGenetics, part of Exact Sciences
Classification: Likely pathogenic for LIPA-related condition. Last evaluated: 2026-09-23. Review status: criteria provided, single submitter. Criteria: ACMG Guidelines, 2015. Collection method: clinical testing. Allele origin: germline.
Comment: The LIPA c.132G>A variant is predicted to result in premature protein termination (p.Trp44*). To our knowledge, this variant has not been reported in the literature. This variant is reported in 0.012% of alleles in individuals of African descent in gnomAD. Nonsense variants in LIPA are expected to be pathogenic. This variant is interpreted as likely pathogenic.

Natera, Inc.
Classification: Likely pathogenic for Lysosomal acid lipase deficiency. Last evaluated: 2024-10-24. Review status: criteria provided, single submitter. Criteria: Natera Variant Classification Schema (03/2026). Collection method: clinical testing. Allele origin: germline.
Comment: The c.132G>A variant in LIPA is a nonsense variant predicted to introduce a stop codon at amino acid 44. This variant is expected to result in nonsense mediated decay, truncation, or a dysfunctional protein product. This variant is rare in the general population with a frequency below the threshold expected for the associated phenotype(s). Given the available evidence, this variant is classified as Likely Pathogenic.

Fulgent Genetics
Classification: Likely pathogenic for Cholesteryl ester storage disease; Wolman disease. Last evaluated: 2024-05-18. Review status: criteria provided, single submitter. Criteria: ACMG Guidelines, 2015. Collection method: clinical testing. Allele origin: germline.

Labcorp Genetics (formerly Invitae), Labcorp
Classification: Pathogenic for Wolman disease. Last evaluated: 2023-12-20. Review status: criteria provided, single submitter. Criteria: Invitae Variant Classification Sherloc (09022015). Collection method: clinical testing. Allele origin: germline.
Comment: This sequence change creates a premature translational stop signal (p.Trp44*) in the LIPA gene. It is expected to result in an absent or disrupted protein product. Loss-of-function variants in LIPA are known to be pathogenic (PMID: 23485521). This variant is present in population databases (rs181646633, gnomAD 0.01%). This variant has not been reported in the literature in individuals affected with LIPA-related conditions. For these reasons, this variant has been classified as Pathogenic.

Blueprint Genetics
Classification: Likely pathogenic for LIPA-related disorders. Last evaluated: 2022-07-13. Review status: criteria provided, single submitter. Criteria: ACMG Guidelines, 2015. Collection method: clinical testing. Allele origin: germline. Affected: yes. Observed: 1 variant allele.

Literature cited by the submitters: PubMed 23485521 (cited by Labcorp Genetics (formerly Invitae), Labcorp).